The following is an entry in ClinVar:

NM_000093.5(COL5A1):c.4067C>T (p.Ala1356Val)

Gene: COL5A1 (collagen type V alpha 1 chain; plus strand). Cytogenetic location: 9q34.3.
Variant type: single nucleotide variant.
Coding change: c.4067C>T on transcript NM_000093.5 (MANE Select); coding-DNA position 4067, C replaced by T.
Protein change: p.Ala1356Val; replaces alanine 1356 with valine.
Molecular consequence: missense variant.
Genome position (GRCh38, 1-based): chr9:134,815,628, C>T. VCF-style: chr9-134815628-C-T. GRCh37 (hg19) VCF-style: chr9-137707474-C-T.
Other names: p.A1356V:GCG>GTG; c.4067C>T, p.Ala1356Val (NM_001278074.1); short protein forms A1356V.
Identifiers: ClinVar variation 213051 (VCV000213051.17), dbSNP rs766796504, ClinGen allele CA319983.
Genomic context (GRCh38, chr9:134,815,628, plus strand): 5'-CCTTTCAGGGCCCAGTGGGTTTTCCTGGAGATCCTGGCCCCCCCGGAGAGCCTGGCCCCG[C>T]GGTAGGTGCTCAAGAGGGCAAAGCCACCGGATCCCCCACAGTGCTGGCCTGCCTCTGCCA-3'
Protein context (NP_000084.3, residues 1346-1366): DPGPPGEPGP[Ala1356Val]GQDGPPGDKG

ClinVar aggregate classification (germline): Conflicting classifications of pathogenicity. Review status: criteria provided, conflicting classifications (1 of 4 stars). 4 submissions from 4 submitters: Likely pathogenic (1); Uncertain significance (3). Last evaluated 2026-05-22.

Conditions:
Ehlers-Danlos syndrome, classic type, 1 (EDSCL1). Also called: Ehlers-Danlos Syndrome, Classic Type, COL5A1-Related; EHLERS-DANLOS SYNDROME, GRAVIS TYPE; EHLERS-DANLOS SYNDROME, SEVERE CLASSIC TYPE; Ehlers-Danlos syndrome, type 1; EDS I. Identifiers: MedGen C0268335, MONDO:0019567, OMIM 130000.
Familial thoracic aortic aneurysm and aortic dissection (TAAD). Also called: Thoracic aortic aneurysms and dissections. Identifiers: Orphanet 91387, MedGen C4707243, MONDO:0019625.

Allele frequency attached by ClinVar (database versions not stated): TOPMed 0.00008; gnomAD 0.00009 and 0.00010.
gnomAD v4.1: 60 of 1,613,482 alleles (0.0037%); highest among the groups gnomAD compares: African/African-American, 0.012%; no homozygotes.

Submissions (4):

Ambry Genetics
Classification: Uncertain significance for Familial thoracic aortic aneurysm and aortic dissection. Last evaluated: 2026-05-22. Review status: criteria provided, single submitter. Criteria: Ambry Variant Classification Scheme 2023. Collection method: clinical testing. Allele origin: germline.
Comment: The p.A1356V variant (also known as c.4067C>T), located in coding exon 51 of the COL5A1 gene, results from a C to T substitution at nucleotide position 4067. The alanine at codon 1356 is replaced by valine, an amino acid with similar properties. This variant was reported in individual(s) with features consistent with COL5A1-related classic Ehlers-Danlos syndrome (external communication). This amino acid position is well conserved in available vertebrate species. In addition, the in silico prediction for this alteration is inconclusive. Since supporting evidence is limited at this time, the clinical significance of this alteration remains unclear.

Labcorp Genetics (formerly Invitae), Labcorp
Classification: Likely pathogenic for Ehlers-Danlos syndrome, classic type, 1. Last evaluated: 2026-01-05. Review status: criteria provided, single submitter. Criteria: Invitae Variant Classification Sherloc (09022015). Collection method: clinical testing. Allele origin: germline.
Comment: This sequence change replaces alanine, which is neutral and non-polar, with valine, which is neutral and non-polar, at codon 1356 of the COL5A1 protein (p.Ala1356Val). This variant is present in population databases (rs766796504, gnomAD 0.01%). This missense change has been observed in individuals with clinical features of Ehlers-Danlos syndrome, classical type (internal data). It has also been observed to segregate with disease in related individuals. ClinVar contains an entry for this variant (Variation ID: 213051). Experimental studies and prediction algorithms are not available or were not evaluated, and the functional significance of this variant is currently unknown. In summary, the currently available evidence indicates that the variant is pathogenic, but additional data are needed to prove that conclusively. Therefore, this variant has been classified as Likely Pathogenic.

Women's Health and Genetics/Laboratory Corporation of America, LabCorp
Classification: Uncertain significance. Last evaluated: 2025-06-23. Review status: criteria provided, single submitter. Criteria: LabCorp Variant Classification Summary - May 2015. Collection method: clinical testing. Allele origin: germline.
Comment: Variant summary: COL5A1 c.4067C>T (p.Ala1356Val) results in a non-conservative amino acid change in the encoded protein sequence. Algorithms developed to predict the effect of missense changes on protein structure and function all suggest that this variant is likely to be disruptive. Several computational tools predict a significant impact on normal splicing: Four predict the variant weakens a 5' donor site. However, these predictions have yet to be confirmed by functional studies. The variant allele was found at a frequency of 5.2e-05 in 248358 control chromosomes. The observed variant frequency is approximately 1.67 fold of the estimated maximal expected allele frequency for a pathogenic variant in COL5A1 causing Ehlers-Danlos Syndrome phenotype (3.1e-05). c.4067C>T has been observed in individual(s) affected with Ehlers-Danlos Syndrome and segregated with disease in related individuals (internal data). These data indicate that the variant may be associated with disease. To our knowledge, no experimental evidence demonstrating an impact on protein function has been reported. ClinVar contains an entry for this variant (Variation ID: 213051). Based on the evidence outlined above, the variant was classified as VUS-possibly benign.

GeneDx
Classification: Uncertain significance. Last evaluated: 2024-08-01. Review status: criteria provided, single submitter. Criteria: GeneDx Variant Classification Process June 2021. Collection method: clinical testing. Allele origin: germline. Affected: yes.
Comment: Has not been previously published as pathogenic or benign to our knowledge; In silico analysis supports that this missense variant has a deleterious effect on protein structure/function; Occurs in the triple helical domain at the Y position in the canonical Gly-X-Y repeat; although this variant may have an effect on normal protein folding and function, missense substitution at the Y position is not a common mechanism of disease (PMID: 22696272; HGMD); This variant is associated with the following publications: (PMID: 22696272)

Literature cited by the submitters: PubMed 38534782 (cited by Ambry Genetics).